The following is an entry in ClinVar:

ClinVar aggregate classification (germline): Uncertain significance (1 of 4 stars; one submission).

Conditions:
Nephronophthisis. Also called: Juvenile Nephronophthisis. Identifiers: Orphanet 655, MedGen C0687120, MONDO:0019005, HP:0000090.

Allele frequency attached by ClinVar (database versions not stated): gnomAD exomes below 0.00001.
gnomAD v4.1: 1 of 1,580,734 alleles (0.000063%); no homozygotes.

Submission:

Labcorp Genetics (formerly Invitae), Labcorp
Classification: Uncertain significance for Nephronophthisis. Last evaluated: 2024-12-16. Review status: criteria provided, single submitter. Criteria: Invitae Variant Classification Sherloc (09022015). Collection method: clinical testing. Allele origin: germline.
Comment: This sequence change replaces alanine, which is neutral and non-polar, with valine, which is neutral and non-polar, at codon 66 of the NPHP3 protein (p.Ala66Val). This variant is not present in population databases (gnomAD no frequency). This variant has not been reported in the literature in individuals affected with NPHP3-related conditions. ClinVar contains an entry for this variant (Variation ID: 1410558). An algorithm developed to predict the effect of missense changes on protein structure and function (PolyPhen-2) suggests that this variant is likely to be tolerated. In summary, the available evidence is currently insufficient to determine the role of this variant in disease. Therefore, it has been classified as a Variant of Uncertain Significance.

NM_153240.5(NPHP3):c.197C>T (p.Ala66Val)

Genes: NPHP3 (nephrocystin 3; minus strand), NPHP3-ACAD11 (NPHP3-ACAD11 readthrough (NMD candidate); minus strand), NPHP3-AS1 (NPHP3 antisense RNA 1; plus strand), LOC129937586 (ATAC-STARR-seq lymphoblastoid silent region 14743; plus strand). Cytogenetic location: 3q22.1.
Variant type: single nucleotide variant.
Coding change: c.197C>T on transcript NM_153240.5 (MANE Select); coding-DNA position 197, C replaced by T.
Protein change: p.Ala66Val; replaces alanine 66 with valine.
Molecular consequence: missense variant. On other transcripts: non-coding transcript variant (3).
Genome position (GRCh38, 1-based): chr3:132,722,159, G>A on the plus strand (C>T on the coding strand, the complement: NPHP3 is on the minus strand). VCF-style: chr3-132722159-G-A. GRCh37 (hg19) VCF-style: chr3-132441003-G-A.
Other names: short protein forms A66V.
Identifiers: ClinVar variation 1410558 (VCV001410558.8), dbSNP rs2108007880, ClinGen allele CA354589385.